The following is an entry in ClinVar:

NM_004612.4(TGFBR1):c.731G>C (p.Arg244Pro)

Gene: TGFBR1 (transforming growth factor beta receptor 1; plus strand). Cytogenetic location: 9q22.33.
Variant type: single nucleotide variant.
Coding change: c.731G>C on transcript NM_004612.4 (MANE Select); coding-DNA position 731, G replaced by C.
Protein change: p.Arg244Pro; replaces arginine 244 with proline.
Molecular consequence: missense variant.
Genome position (GRCh38, 1-based): chr9:99,138,015, G>C. VCF-style: chr9-99138015-G-C. GRCh37 (hg19) VCF-style: chr9-101900297-G-C.
Other names: c.500G>C, p.Arg167Pro (NM_001130916.3); c.743G>C, p.Arg248Pro (NM_001306210.2); short protein forms R244P, R167P, R248P.
Identifiers: ClinVar variation 573197 (VCV000573197.9), dbSNP rs1329974247, ClinGen allele CA374229853.

ClinVar aggregate classification (germline): Uncertain significance (1 of 4 stars; one submission).

Conditions:
Familial thoracic aortic aneurysm and aortic dissection (TAAD). Also called: Thoracic aortic aneurysms and dissections. Identifiers: Orphanet 91387, MedGen C4707243, MONDO:0019625.

Submission:

Labcorp Genetics (formerly Invitae), Labcorp
Classification: Uncertain significance for Familial thoracic aortic aneurysm and aortic dissection. Last evaluated: 2023-04-26. Review status: criteria provided, single submitter. Criteria: Invitae Variant Classification Sherloc (09022015). Collection method: clinical testing. Allele origin: germline.
Comment: This sequence change replaces arginine, which is basic and polar, with proline, which is neutral and non-polar, at codon 244 of the TGFBR1 protein (p.Arg244Pro). This variant is not present in population databases (gnomAD no frequency). This variant has not been reported in the literature in individuals affected with TGFBR1-related conditions. ClinVar contains an entry for this variant (Variation ID: 573197). Advanced modeling of protein sequence and biophysical properties (such as structural, functional, and spatial information, amino acid conservation, physicochemical variation, residue mobility, and thermodynamic stability) performed at Invitae indicates that this missense variant is expected to disrupt TGFBR1 protein function. In summary, the available evidence is currently insufficient to determine the role of this variant in disease. Therefore, it has been classified as a Variant of Uncertain Significance.